The following is an entry in ClinVar:

NM_000488.4(SERPINC1):c.481C>T (p.Arg161Ter)

Gene: SERPINC1 (serpin family C member 1; minus strand). Cytogenetic location: 1q25.1.
Variant type: single nucleotide variant.
Coding change: c.481C>T on transcript NM_000488.4 (MANE Select); coding-DNA position 481, C replaced by T.
Protein change: p.Arg161Ter; replaces arginine 161 with a stop codon.
Molecular consequence: nonsense. On other transcripts: intron variant (1).
Genome position (GRCh38, 1-based): chr1:173,911,942, G>A on the plus strand (C>T on the coding strand, the complement: SERPINC1 is on the minus strand). VCF-style: chr1-173911942-G-A. GRCh37 (hg19) VCF-style: chr1-173881080-G-A.
Other names: R129*; p.Arg161*; NM_000488.4(SERPINC1):c.481C>T; p.Arg161Ter; c.481C>T, p.Arg161Ter (NM_001386302.1, NM_001386304.1, NM_001386305.1); c.562C>T, p.Arg188Ter (NM_001386303.1); c.409-1051C>T (NM_001386306.1); c.337C>T, p.Arg113Ter (NM_001365052.2); short protein forms R161*, R113*, R188*.
Identifiers: ClinVar variation 18029 (VCV000018029.14), dbSNP rs121909562, ClinGen allele CA210776.

ClinVar aggregate classification (germline): Pathogenic. Review status: reviewed by expert panel (3 of 4 stars). 8 submissions from 8 submitters: Pathogenic (1). 7 of the submissions do not count toward it. Last evaluated 2026-02-20.

Conditions:
SERPINC1-related disorder. Also called: SERPINC1-related condition.
Hereditary antithrombin deficiency (AT3D). Also called: Antithrombin III deficiency; Thrombophilia due to antithrombin III deficiency; Reduced antithrombin III activity; Antithrombin deficiency. Identifiers: Orphanet 82, MedGen C0272375, MONDO:0013144, OMIM 613118, HP:0001976.

Allele frequency attached by ClinVar (database versions not stated): gnomAD exomes below 0.00001.
gnomAD v4.1: 1 of 1,614,134 alleles (0.000062%); highest among the groups gnomAD compares: Non-Finnish European, 0.000085%; no homozygotes.

Submissions (8):

Clingen Thrombosis Variant Curation Expert Panel, ClinGen
Classification: Pathogenic for Hereditary antithrombin deficiency. Last evaluated: 2026-02-20. Review status: reviewed by expert panel. Criteria: ClinGen ACMG Specifications SERPINC1 V1.0.0. Collection method: curation. Allele origin: germline. Inheritance: Autosomal dominant inheritance.
Comment: The NM_000488.4(SERPINC1):c.481C>T;p.Arg161Ter variant in SERPINC1 is a nonsense variant predicted to cause a premature stop codon in biologically-relevant-exon 3/7 leading to nonsense mediated decay in a gene in which loss-of-function is an established disease mechanism (PVS1). The total minor allele frequency in gnomAD v4.1.0 is 6.195e-7 (1/1614134 alleles), which is lower than the ClinGen Thrombosis VCEP threshold (<0.00002) for PM2_Supporting. This variant has been reported in two probands meeting an antithrombin activity level of < 0.8 IU/mL (PS4_Supporting; PMID:1873224). In summary, this variant meets the criteria to be classified as pathogenic for autosomal dominant hereditary antithrombin deficiency based on the ACMG/AMP criteria applied, as specified by the ClinGen Thrombosis VCEP v1.1.0: PVS1, PS4_Supporting, PM2_Supporting.

Mayo Clinic Laboratories, Mayo Clinic
Classification: Pathogenic. Last evaluated: 2025-04-17. Review status: criteria provided, single submitter. Criteria: ACMG Guidelines, 2015. Collection method: clinical testing. Allele origin: germline. Observed: 1 variant allele. Not counted in ClinVar's aggregate classification.
Comment: PM2_supporting, PS4, PVS1

Labcorp Genetics (formerly Invitae), Labcorp
Classification: Pathogenic for Hereditary antithrombin deficiency. Last evaluated: 2024-05-13. Review status: criteria provided, single submitter. Criteria: Invitae Variant Classification Sherloc (09022015). Collection method: clinical testing. Allele origin: germline. Not counted in ClinVar's aggregate classification.
Comment: This sequence change creates a premature translational stop signal (p.Arg161*) in the SERPINC1 gene. It is expected to result in an absent or disrupted protein product. Loss-of-function variants in SERPINC1 are known to be pathogenic (PMID: 21264449). This variant is not present in population databases (gnomAD no frequency). This premature translational stop signal has been observed in individual(s) with antithrombin deficiency (PMID: 1873224, 23910795). This variant is also known as Arg129*. ClinVar contains an entry for this variant (Variation ID: 18029). For these reasons, this variant has been classified as Pathogenic.

GeneDx
Classification: Pathogenic. Last evaluated: 2019-08-23. Review status: criteria provided, single submitter. Criteria: GeneDx Variant Classification Process June 2021. Collection method: clinical testing. Allele origin: germline. Affected: yes. Not counted in ClinVar's aggregate classification.
Comment: Identified in multiple patients with AT deficiency in published literature (Grandrille et al., 1991; Castaldo et al., 2012; Wypasek et al., 2017); Nonsense variant predicted to result in protein truncation or nonsense mediated decay in a gene for which loss-of-function is a known mechanism of disease; Not observed in large population cohorts (Lek et al., 2016); This variant is associated with the following publications: (PMID: 31885188, 1873224, 24196373, 22398878, 28607330, 30237862, 28300866, 23910795, 25525159)

Blueprint Genetics
Classification: Pathogenic for SERPINC1-related disorders. Last evaluated: 2019-04-24. Review status: criteria provided, single submitter. Criteria: ACMG Guidelines, 2015. Collection method: clinical testing. Allele origin: germline. Affected: yes. Observed: 1 variant allele. Not counted in ClinVar's aggregate classification.

Clinical Genetics Service, Universitary Hospital 12 de Octubre
Classification: Pathogenic for Hereditary antithrombin deficiency. Review status: criteria provided, single submitter. Criteria: ACMG Guidelines, 2015. Collection method: clinical testing. Allele origin: germline. Affected: yes. Not counted in ClinVar's aggregate classification.

Juno Genomics, Hangzhou Juno Genomics, Inc
Classification: Pathogenic for Hereditary antithrombin deficiency. Review status: criteria provided, single submitter. Criteria: ACMG Guidelines, 2015. Collection method: clinical testing. Allele origin: germline. Affected: yes. Not counted in ClinVar's aggregate classification.
Comment: Absent from controls (or at extremely low frequency if recessive) in Genome Aggregation Database, Exome Sequencing Project, 1000 Genomes Project, or Exome Aggregation Consortium.;Null variant in a gene where loss of function (LOF) is a known mechanism of disease.;The prevalence of the variant in affected individuals is significantly increased compared to the prevalence in controls.;Patient's phenotype or family history is highly specific for a disease with a single genetic etiology.

OMIM
Classification: Pathogenic for THROMBOPHILIA DUE TO ANTITHROMBIN III DEFICIENCY. Last evaluated: 1991-07-01. Review status: no assertion criteria provided. Collection method: literature only. Allele origin: germline. Not counted in ClinVar's aggregate classification.

Literature cited by the submitters: PubMed 1873224 (cited by 3 submitters); PubMed 22398878 (cited by Mayo Clinic Laboratories, Mayo Clinic); PubMed 23910795 (cited by Mayo Clinic Laboratories, Mayo Clinic and Labcorp Genetics (formerly Invitae), Labcorp); PubMed 24196373 (cited by Mayo Clinic Laboratories, Mayo Clinic); PubMed 30975910 (cited by Mayo Clinic Laboratories, Mayo Clinic); PubMed 31885188 (cited by Mayo Clinic Laboratories, Mayo Clinic); PubMed 33672736 (cited by Mayo Clinic Laboratories, Mayo Clinic); PubMed 37674759 (cited by Mayo Clinic Laboratories, Mayo Clinic); PubMed 7994035 (cited by Mayo Clinic Laboratories, Mayo Clinic); PubMed 21264449 (cited by Labcorp Genetics (formerly Invitae), Labcorp); PubMed 2602168 (cited by OMIM).